The following is an entry in ClinVar:

NM_022552.5(DNMT3A):c.1152C>T (p.Phe384=)

Gene: DNMT3A (DNA methyltransferase 3 alpha; minus strand). Cytogenetic location: 2p23.3.
Variant type: single nucleotide variant.
Coding change: c.1152C>T on transcript NM_022552.5 (MANE Select); coding-DNA position 1152, C replaced by T.
Protein change: p.Phe384=; no amino-acid change (phenylalanine 384 retained).
Molecular consequence: synonymous variant. On other transcripts: non-coding transcript variant (1).
Genome position (GRCh38, 1-based): chr2:25,246,747, G>A on the plus strand (C>T on the coding strand, the complement: DNMT3A is on the minus strand). VCF-style: chr2-25246747-G-A. GRCh37 (hg19) VCF-style: chr2-25469616-G-A.
Other names: c.696C>T, p.Phe232= (NM_001320893.1); c.483C>T, p.Phe161= (NM_001375819.1); c.585C>T, p.Phe195= (NM_153759.3); c.1152C>T, p.Phe384= (NM_175629.2); c.1152C>T (NM_022552.3).
Identifiers: ClinVar variation 2650725 (VCV002650725.29), dbSNP rs772806861, ClinGen allele CA43705553.

ClinVar aggregate classification (germline): Likely benign. Review status: criteria provided, multiple submitters, no conflicts (2 of 4 stars). 4 submissions from 4 submitters: Likely benign (4). Last evaluated 2025-12-09.

Conditions:
Inborn genetic diseases. Identifiers: MedGen C0950123, MeSH D030342.
Tatton-Brown-Rahman overgrowth syndrome. Also called: Tall stature-intellectual disability-facial dysmorphism syndrome; Tatton-Brown-Rahman syndrome. Identifiers: Orphanet 404443, MedGen C4014545, MONDO:0014382, OMIM 615879.
DNMT3A-related disorder. Also called: DNMT3A-related disorders; DNMT3A-related condition.

Allele frequency attached by ClinVar (database versions not stated): gnomAD exomes 0.00001; gnomAD 0.00002; TOPMed 0.00002.
gnomAD v4.1: 15 of 1,613,722 alleles (0.00093%); highest among the groups gnomAD compares: East Asian, 0.0022%; no homozygotes.

Submissions (4):

PreventionGenetics, part of Exact Sciences
Classification: Likely benign for DNMT3A-related condition. Last evaluated: 2025-12-09. Review status: criteria provided, single submitter. Criteria: ACMG Guidelines, 2015. Collection method: clinical testing. Allele origin: germline.
Comment: This variant is classified as likely benign based on ACMG/AMP sequence variant interpretation guidelines (Richards et al. 2015 PMID: 25741868, with internal and published modifications).

Ambry Genetics
Classification: Likely benign for Inborn genetic diseases. Last evaluated: 2024-12-25. Review status: criteria provided, single submitter. Criteria: Ambry Variant Classification Scheme 2023. Collection method: clinical testing. Allele origin: germline.

Labcorp Genetics (formerly Invitae), Labcorp
Classification: Likely benign for Tatton-Brown-Rahman overgrowth syndrome. Last evaluated: 2024-01-30. Review status: criteria provided, single submitter. Criteria: Invitae Variant Classification Sherloc (09022015). Collection method: clinical testing. Allele origin: germline.

CeGaT Center for Human Genetics Tuebingen
Classification: Likely benign. Last evaluated: 2023-04-01. Review status: criteria provided, single submitter. Criteria: CeGaT Center For Human Genetics Tuebingen Variant Classification Criteria Version 2. Collection method: clinical testing. Allele origin: germline. Affected: yes. Observed: 1 variant allele.
Comment: DNMT3A: BP4, BP7